The following is an entry in ClinVar:

ClinVar aggregate classification (germline): Uncertain significance (1 of 4 stars; one submission).

gnomAD v4.1: 6 of 1,612,890 alleles (0.00037%); highest among the groups gnomAD compares: Admixed American, 0.0017%; no homozygotes.

Submission:

Labcorp Genetics (formerly Invitae), Labcorp
Classification: Uncertain significance. Last evaluated: 2024-05-29. Review status: criteria provided, single submitter. Criteria: Invitae Variant Classification Sherloc (09022015). Collection method: clinical testing. Allele origin: germline.
Comment: This sequence change falls in intron 13 of the VPS11 gene. It does not directly change the encoded amino acid sequence of the VPS11 protein. This variant is present in population databases (no rsID available, gnomAD 0.007%). This variant has not been reported in the literature in individuals affected with VPS11-related conditions. Algorithms developed to predict the effect of sequence changes on RNA splicing suggest that this variant may disrupt the consensus splice site. In summary, the available evidence is currently insufficient to determine the role of this variant in disease. Therefore, it has been classified as a Variant of Uncertain Significance.

NM_021729.6(VPS11):c.2267-7A>G

Gene: VPS11 (VPS11 core subunit of CORVET and HOPS complexes; plus strand). Cytogenetic location: 11q23.3.
Variant type: single nucleotide variant.
Coding change: c.2267-7A>G on transcript NM_021729.6 (MANE Select); 7 bases into the intron before coding-DNA position 2267, A replaced by G.
Molecular consequence: intron variant.
Genome position (GRCh38, 1-based): chr11:119,079,122, A>G. VCF-style: chr11-119079122-A-G. GRCh37 (hg19) VCF-style: chr11-118949832-A-G.
Other names: c.2237-7A>G (NM_001290185.2); c.2279-7A>G (NM_001378218.1, NM_001378219.1); c.2252-7A>G (NM_001378220.1); c.2249-7A>G (NM_001378221.1).
Identifiers: ClinVar variation 3621068 (VCV003621068.2).